The following is an entry in ClinVar:

NM_001454.4(FOXJ1):c.826C>T (p.Gln276Ter)

Gene: FOXJ1 (forkhead box J1; minus strand). Cytogenetic location: 17q25.1.
Variant type: single nucleotide variant.
Coding change: c.826C>T on transcript NM_001454.4 (MANE Select); coding-DNA position 826, C replaced by T.
Protein change: p.Gln276Ter; replaces glutamine 276 with a stop codon.
Molecular consequence: nonsense.
Genome position (GRCh38, 1-based): chr17:76,137,793, G>A on the plus strand (C>T on the coding strand, the complement: FOXJ1 is on the minus strand). VCF-style: chr17-76137793-G-A. GRCh37 (hg19) VCF-style: chr17-74133874-G-A.
Other names: c.826C>T (NM_001454.3); short protein forms Q276*.
Identifiers: ClinVar variation 800280 (VCV000800280.3), dbSNP rs1598372878, ClinGen allele CA401107426.

ClinVar aggregate classification (germline): Pathogenic. Review status: criteria provided, single submitter (1 of 4 stars). 3 submissions from 3 submitters: Pathogenic (1). 2 of the submissions do not count toward it. Last evaluated 2023-03-24.

Conditions:
Ciliary dyskinesia, primary, 43. Also called: CILIARY DYSKINESIA, PRIMARY, 43, WITH OR WITHOUT SITUS INVERSUS. Identifiers: MedGen C5231466, MONDO:0032874, OMIM 618699.

Submissions (3):

GeneDx
Classification: Pathogenic. Last evaluated: 2023-03-24. Review status: criteria provided, single submitter. Criteria: GeneDx Variant Classification Process June 2021. Collection method: clinical testing. Allele origin: germline. Affected: yes.
Comment: Nonsense variant predicted to result in protein truncation, as the last 146 amino acids are lost, and other loss-of-function variants have been reported downstream in HGMD; Not observed at significant frequency in large population cohorts (gnomAD); This variant is associated with the following publications: (PMID: 33077954, 31630787)

Yale Center for Mendelian Genomics, Yale University
Classification: Pathogenic for Ciliary dyskinesia, primary, 43. Last evaluated: 2020-10-19. Review status: no assertion criteria provided. Collection method: literature only. Allele origin: de novo. Affected: yes. Observed: 1 heterozygote. Study: Yale Center for Mendelian Genomics. Not counted in ClinVar's aggregate classification.

OMIM
Classification: Pathogenic for CILIARY DYSKINESIA, PRIMARY, 43, WITH OR WITHOUT SITUS INVERSUS. Last evaluated: 2019-12-13. Review status: no assertion criteria provided. Collection method: literature only. Allele origin: germline. Not counted in ClinVar's aggregate classification.

Literature cited by the submitters: PubMed 33077954 (cited by Yale Center for Mendelian Genomics, Yale University); PubMed 31630787 (cited by OMIM).